The following is an entry in ClinVar:

ClinVar aggregate classification (germline): Uncertain significance (1 of 4 stars; one submission).

Submission:

Labcorp Genetics (formerly Invitae), Labcorp
Classification: Uncertain significance. Last evaluated: 2023-03-09. Review status: criteria provided, single submitter. Criteria: Invitae Variant Classification Sherloc (09022015). Collection method: clinical testing. Allele origin: germline.
Comment: This sequence change replaces histidine, which is basic and polar, with proline, which is neutral and non-polar, at codon 132 of the POLG2 protein (p.His132Pro). This variant is not present in population databases (gnomAD no frequency). This variant has not been reported in the literature in individuals affected with POLG2-related conditions. An algorithm developed to predict the effect of missense changes on protein structure and function (PolyPhen-2) suggests that this variant is likely to be disruptive. In summary, the available evidence is currently insufficient to determine the role of this variant in disease. Therefore, it has been classified as a Variant of Uncertain Significance.

NM_007215.4(POLG2):c.395A>C (p.His132Pro)

Genes: MILR1 (mast cell immunoglobulin like receptor 1; plus strand), POLG2 (DNA polymerase gamma 2, accessory subunit; minus strand). Cytogenetic location: 17q23.3.
Variant type: single nucleotide variant.
Coding change: c.395A>C on transcript NM_007215.4 (MANE Select); coding-DNA position 395, A replaced by C.
Protein change: p.His132Pro; replaces histidine 132 with proline.
Molecular consequence: missense variant.
Genome position (GRCh38, 1-based): chr17:64,496,574, T>G on the plus strand (A>C on the coding strand, the complement: POLG2 is on the minus strand). VCF-style: chr17-64496574-T-G. GRCh37 (hg19) VCF-style: chr17-62492692-T-G.
Other names: short protein forms H132P.
Identifiers: ClinVar variation 2999738 (VCV002999738.3), dbSNP rs781836299, ClinGen allele CA293016830.